The following is an entry in ClinVar:

NM_001244008.2(KIF1A):c.798+1G>C

Gene: KIF1A (kinesin family member 1A; minus strand). Cytogenetic location: 2q37.3.
Variant type: single nucleotide variant.
Coding change: c.798+1G>C on transcript NM_001244008.2 (MANE Select); the canonical splice donor site of the intron after coding-DNA position 798, G replaced by C.
Molecular consequence: splice donor variant.
Genome position (GRCh38, 1-based): chr2:240,783,738, C>G on the plus strand (G>C on the coding strand, the complement: KIF1A is on the minus strand). VCF-style: chr2-240783738-C-G. GRCh37 (hg19) VCF-style: chr2-241723155-C-G.
Other names: c.798+1G>C (NM_001379635.1, NM_001379640.1, NM_001379641.1 and 20 more transcripts).
Identifiers: ClinVar variation 1709861 (VCV001709861.2), dbSNP rs1064796565, ClinGen allele CA351302829.

ClinVar aggregate classification (germline): Pathogenic (1 of 4 stars; one submission).

Conditions:
Intellectual disability, autosomal dominant 9 (NESCAVS). Also called: NESCAV SYNDROME; KIF1A-Related Neurodevelopmental Disorder. Identifiers: Orphanet 662367, MedGen C5393830, MONDO:0013656, OMIM 614255.

Submission:

MGZ Medical Genetics Center
Classification: Pathogenic for Intellectual disability, autosomal dominant 9. Last evaluated: 2022-03-28. Review status: criteria provided, single submitter. Criteria: ACMG Guidelines, 2015. Collection method: clinical testing. Allele origin: germline. Affected: yes. Observed: 1 variant allele.
Comment: ACMG criteria applied: PVS1, PM1, PM2_SUP